The following is an entry in ClinVar:

NM_001032283.3(TMPO):c.80dup (p.Pro28fs)

Genes: TMPO (thymopoietin; plus strand), TMPO-AS1 (TMPO antisense RNA 1; minus strand). Cytogenetic location: 12q23.1.
Variant type: Duplication.
Coding change: c.80dup on transcript NM_001032283.3 (MANE Select); coding-DNA position 80, one base duplicated (T; older notation c.80dupT).
Protein change: p.Pro28fs; shifts the reading frame from proline 28.
Molecular consequence: frameshift variant.
Genome position (GRCh38, 1-based): chr12:98,515,947, T duplicated. VCF-style (leftmost placement, unchanged base first): chr12-98515946-C-CT. GRCh37 (hg19) VCF-style: chr12-98909724-C-CT.
Other names: c.80dup, p.Pro28fs (NM_001032284.3, NM_001307975.2, NM_003276.2); short protein forms P28fs.
Identifiers: ClinVar variation 2572875 (VCV002572875.1), dbSNP rs2548488744, ClinGen allele CA2580616837.

ClinVar aggregate classification (germline): Uncertain significance (1 of 4 stars; one submission).

Submission:

GeneDx
Classification: Uncertain significance. Last evaluated: 2023-01-17. Review status: criteria provided, single submitter. Criteria: GeneDx Variant Classification Process June 2021. Collection method: clinical testing. Allele origin: germline. Affected: yes.
Comment: Frameshift variant predicted to result in protein truncation or nonsense mediated decay in a gene or region of a gene for which loss of function is not a well-established mechanism of disease; Not observed at significant frequency in large population cohorts (gnomAD); Has not been previously published as pathogenic or benign to our knowledge